The following is an entry in ClinVar:

ClinVar aggregate classification (germline): Benign/Likely benign. Review status: criteria provided, multiple submitters, no conflicts (2 of 4 stars). 6 submissions from 6 submitters: Benign (3); Likely benign (2). 1 of the submissions does not count toward it. Last evaluated 2026-02-02.

Conditions:
Hereditary cancer-predisposing syndrome. Also called: Neoplastic Syndromes, Hereditary; Tumor predisposition; Hereditary Cancer Syndrome; Hereditary neoplastic syndrome. Identifiers: Orphanet 140162, MedGen C0027672, MeSH D009386, MONDO:0015356.
ALK-related disorder. Also called: ALK-related condition.
Neuroblastoma, susceptibility to, 3. Also called: ALK-Related Neuroblastic Tumor Susceptibility. Identifiers: Orphanet 635, MedGen C2751681, MONDO:0013083, OMIM 613014.

Allele frequency attached by ClinVar (database versions not stated): ESP Exome Variant Server 0.00015; gnomAD 0.00019 and 0.00039; TOPMed 0.00036; gnomAD exomes 0.00048; ExAC 0.00055; 1000 Genomes Project 30x 0.00187; 1000 Genomes Project 0.00220.
gnomAD v4.1: 1,000 of 1,614,136 alleles (0.062%); highest among the groups gnomAD compares: East Asian, 2.1%; 13 homozygotes.

Submissions (6):

Labcorp Genetics (formerly Invitae), Labcorp
Classification: Benign for Neuroblastoma, susceptibility to, 3. Last evaluated: 2026-02-02. Review status: criteria provided, single submitter. Criteria: Invitae Variant Classification Sherloc (09022015). Collection method: clinical testing. Allele origin: germline.

Blueprint Genetics
Classification: Likely benign. Last evaluated: 2024-05-08. Review status: criteria provided, single submitter. Criteria: ACMG Guidelines, 2015. Collection method: clinical testing. Allele origin: germline.

Illumina Laboratory Services, Illumina
Classification: Benign for Neuroblastoma, susceptibility to, 3. Last evaluated: 2018-01-12. Review status: criteria provided, single submitter. Criteria: ICSL Variant Classification Criteria 13 December 2019. Collection method: clinical testing. Allele origin: germline.
Comment: This variant was observed in the ICSL laboratory as part of a predisposition screen in an ostensibly healthy population. It had not been previously curated by ICSL or reported in the Human Gene Mutation Database (HGMD: prior to June 1st, 2018), and was therefore a candidate for classification through an automated scoring system. Utilizing variant allele frequency, disease prevalence and penetrance estimates, and inheritance mode, an automated score was calculated to assess if this variant is too frequent to cause the disease. Based on the score and internal cut-off values, a variant classified as benign is not then subjected to further curation. The score for this variant resulted in a classification of benign for this disease.

Ambry Genetics
Classification: Benign for Hereditary cancer-predisposing syndrome. Last evaluated: 2017-02-16. Review status: criteria provided, single submitter. Criteria: Ambry Variant Classification Scheme 2023. Collection method: clinical testing. Allele origin: germline.

GeneDx
Classification: Likely benign. Last evaluated: 2016-12-09. Review status: criteria provided, single submitter. Criteria: GeneDx Variant Classification (06012015). Collection method: clinical testing. Allele origin: germline. Affected: yes.
Comment: This variant is considered likely benign or benign based on one or more of the following criteria: it is a conservative change, it occurs at a poorly conserved position in the protein, it is predicted to be benign by multiple in silico algorithms, and/or has population frequency not consistent with disease.

PreventionGenetics, part of Exact Sciences
Classification: Likely benign for ALK-related condition. Last evaluated: 2019-10-02. Review status: no assertion criteria provided. Collection method: clinical testing. Allele origin: germline. Not counted in ClinVar's aggregate classification.
Comment: This variant is classified as likely benign based on ACMG/AMP sequence variant interpretation guidelines (Richards et al. 2015 PMID: 25741868, with internal and published modifications).

NM_004304.5(ALK):c.3336G>A (p.Pro1112=)

Gene: ALK (ALK receptor tyrosine kinase; minus strand). Cytogenetic location: 2p23.2.
Variant type: single nucleotide variant.
Coding change: c.3336G>A on transcript NM_004304.5 (MANE Select); coding-DNA position 3336, G replaced by A.
Protein change: p.Pro1112=; no amino-acid change (proline 1112 retained).
Molecular consequence: synonymous variant.
Genome position (GRCh38, 1-based): chr2:29,223,365, C>T on the plus strand (G>A on the coding strand, the complement: ALK is on the minus strand). VCF-style: chr2-29223365-C-T. GRCh37 (hg19) VCF-style: chr2-29446231-C-T.
Other names: c.132G>A, p.Pro44= (NM_001353765.2).
Identifiers: ClinVar variation 335695 (VCV000335695.21), dbSNP rs146074150, ClinGen allele CA1594006.